The following is an entry in ClinVar:

ClinVar aggregate classification (germline): Pathogenic (1 of 4 stars; one submission).

Conditions:
Familial adenomatous polyposis 1 (FAP1). Also called: FAMILIAL ADENOMATOUS POLYPOSIS 1, ATTENUATED; POLYPOSIS, ADENOMATOUS INTESTINAL. Identifiers: MedGen C2713442, MONDO:0021056, OMIM 175100. Disease mechanism: loss of function.

Submission:

Labcorp Genetics (formerly Invitae), Labcorp
Classification: Pathogenic for Familial adenomatous polyposis 1. Last evaluated: 2021-02-18. Review status: criteria provided, single submitter. Criteria: Invitae Variant Classification Sherloc (09022015). Collection method: clinical testing. Allele origin: germline.
Comment: For these reasons, this variant has been classified as Pathogenic. This variant has not been reported in the literature in individuals with APC-related conditions. This variant is not present in population databases (ExAC no frequency). This sequence change creates a premature translational stop signal (p.Leu469Asnfs*2) in the APC gene. It is expected to result in an absent or disrupted protein product. Loss-of-function variants in APC are known to be pathogenic (PMID: 17963004, 20685668).

Literature cited by the submitters: PubMed 17963004; PubMed 20685668.

NM_000038.6(APC):c.1402_1403dup (p.Leu469fs)

Gene: APC (APC regulator of Wnt signaling pathway; plus strand). Cytogenetic location: 5q22.2.
Variant type: Duplication.
Coding change: c.1402_1403dup on transcript NM_000038.6 (MANE Select); coding-DNA positions 1402 to 1403, 2 bases duplicated (GA; older notation c.1402_1403dupGA).
Protein change: p.Leu469fs; shifts the reading frame from leucine 469.
Molecular consequence: frameshift variant.
Genome position (GRCh38, 1-based): chr5:112,821,985-112,821,986, GA duplicated. VCF-style (leftmost placement, unchanged base first): chr5-112821984-T-TGA. GRCh37 (hg19) VCF-style: chr5-112157681-T-TGA.
Other names: c.1402_1403dup, p.Leu469fs (NM_001127510.3, NM_001354895.2, NM_001354896.2); c.1348_1349dup, p.Leu451fs (NM_001127511.3); c.1432_1433dup, p.Leu479fs (NM_001354897.2); c.1327_1328dup, p.Leu444fs (NM_001354898.2); c.1318_1319dup, p.Leu441fs (NM_001354899.2); c.1225_1226dup, p.Leu410fs (NM_001354900.2, NM_001354901.2); c.1129_1130dup, p.Leu378fs (NM_001354902.2); c.1099_1100dup, p.Leu368fs (NM_001354903.2); and 3 more; short protein forms L186fs, L343fs, L378fs, L441fs, L444fs, L479fs, L309fs, L410fs.
Identifiers: ClinVar variation 1359970 (VCV001359970.6), dbSNP rs2149792825, ClinGen allele CA2573138835.
Genomic context (GRCh38, chr5:112,821,984, plus strand): 5'-TCCTGCTGTGTGTGTTCTAATGAAACTTTCATTTGATGAAGAGCATAGACATGCAATGAA[T>TGA]GAACTAGGTAAGACAAAAATGTTTTTTAATGACATAGACAATTACTGGTGGATTTTTAAA-3'